The following is an entry in ClinVar:

ClinVar aggregate classification (germline): Uncertain significance (1 of 4 stars; one submission).

Submission:

Ambry Genetics
Classification: Uncertain significance. Last evaluated: 2020-06-09. Review status: criteria provided, single submitter. Criteria: Ambry Variant Classification Scheme 2023. Collection method: clinical testing. Allele origin: germline.
Comment: The p.L153R variant (also known as c.458T>G), located in coding exon 2 of the GALNT12 gene, results from a T to G substitution at nucleotide position 458. The leucine at codon 153 is replaced by arginine, an amino acid with dissimilar properties. This amino acid position is highly conserved in available vertebrate species. In addition, this alteration is predicted to be deleterious by in silico analysis. Since supporting evidence is limited at this time, the clinical significance of this alteration remains unclear.

NM_024642.5(GALNT12):c.458T>G (p.Leu153Arg)

Gene: GALNT12 (polypeptide N-acetylgalactosaminyltransferase 12; plus strand). Cytogenetic location: 9q22.33.
Variant type: single nucleotide variant.
Coding change: c.458T>G on transcript NM_024642.5 (MANE Select); coding-DNA position 458, T replaced by G.
Protein change: p.Leu153Arg; replaces leucine 153 with arginine.
Molecular consequence: missense variant.
Genome position (GRCh38, 1-based): chr9:98,823,342, T>G. VCF-style: chr9-98823342-T-G. GRCh37 (hg19) VCF-style: chr9-101585624-T-G.
Other names: short protein forms L153R.
Identifiers: ClinVar variation 1741710 (VCV001741710.2), dbSNP rs2490492431, ClinGen allele CA374216751.
Genomic context (GRCh38, chr9:98,823,342, plus strand): 5'-ATAATTTGCCCAGGACATCTGTTATCATAGCATTTTATAATGAAGCCTGGTCAACTCTCC[T>G]TCGGACAGTTTACAGTGTCCTTGAGACATCCCCGGATATCCTGCTAGAAGAAGTGATCCT-3'
Protein context (NP_078918.3, residues 143-163): AFYNEAWSTL[Leu153Arg]RTVYSVLETS